The following is an entry in ClinVar:

NM_138295.5(PKD1L1):c.7135A>G (p.Ile2379Val)

Genes: PKD1L1 (polycystin 1 like 1, transient receptor potential channel interacting; minus strand), PKD1L1-AS1 (PKD1L1 antisense RNA 1; plus strand). Cytogenetic location: 7p12.3.
Variant type: single nucleotide variant.
Coding change: c.7135A>G on transcript NM_138295.5 (MANE Select); coding-DNA position 7135, A replaced by G.
Protein change: p.Ile2379Val; replaces isoleucine 2379 with valine.
Molecular consequence: missense variant.
Genome position (GRCh38, 1-based): chr7:47,813,969, T>C on the plus strand (A>G on the coding strand, the complement: PKD1L1 is on the minus strand). VCF-style: chr7-47813969-T-C. GRCh37 (hg19) VCF-style: chr7-47853567-T-C.
Other names: short protein forms I2379V.
Identifiers: ClinVar variation 3306857 (VCV003306857.2).

ClinVar aggregate classification (germline): Uncertain significance. Review status: criteria provided, multiple submitters, no conflicts (2 of 4 stars). 2 submissions from 2 submitters: Uncertain significance (2). Last evaluated 2025-02-13.

Conditions:
Inborn genetic diseases. Identifiers: MedGen C0950123, MeSH D030342.

gnomAD v4.1: 47 of 1,614,006 alleles (0.0029%); highest among the groups gnomAD compares: Non-Finnish European, 0.0039%; no homozygotes.

Submissions (2):

Labcorp Genetics (formerly Invitae), Labcorp
Classification: Uncertain significance. Last evaluated: 2025-02-13. Review status: criteria provided, single submitter. Criteria: Invitae Variant Classification Sherloc (09022015). Collection method: clinical testing. Allele origin: germline.
Comment: This sequence change replaces isoleucine, which is neutral and non-polar, with valine, which is neutral and non-polar, at codon 2379 of the PKD1L1 protein (p.Ile2379Val). This variant is present in population databases (rs746949306, gnomAD 0.004%). This variant has not been reported in the literature in individuals affected with PKD1L1-related conditions. ClinVar contains an entry for this variant (Variation ID: 3306857). Invitae Evidence Modeling of protein sequence and biophysical properties (such as structural, functional, and spatial information, amino acid conservation, physicochemical variation, residue mobility, and thermodynamic stability) indicates that this missense variant is not expected to disrupt PKD1L1 protein function with a negative predictive value of 80%. In summary, the available evidence is currently insufficient to determine the role of this variant in disease. Therefore, it has been classified as a Variant of Uncertain Significance.

Ambry Genetics
Classification: Uncertain significance for Inborn genetic diseases. Last evaluated: 2024-04-09. Review status: criteria provided, single submitter. Criteria: Ambry Variant Classification Scheme 2023. Collection method: clinical testing. Allele origin: germline.